The following is an entry in ClinVar:

ClinVar aggregate classification (germline): Uncertain significance (1 of 4 stars; one submission).

Submission:

Labcorp Genetics (formerly Invitae), Labcorp
Classification: Uncertain significance. Last evaluated: 2025-04-16. Review status: criteria provided, single submitter. Criteria: Invitae Variant Classification Sherloc (09022015). Collection method: clinical testing. Allele origin: germline.
Comment: This sequence change creates a premature translational stop signal (p.Asn2143Ilefs*2) in the RP1 gene. While this is not anticipated to result in nonsense mediated decay, it is expected to disrupt the last 14 amino acid(s) of the RP1 protein. This variant is present in population databases (no rsID available, gnomAD 0.1%). This variant has not been reported in the literature in individuals affected with RP1-related conditions. ClinVar contains an entry for this variant (Variation ID: 2014148). Experimental studies and prediction algorithms are not available or were not evaluated, and the functional significance of this variant is currently unknown. In summary, the available evidence is currently insufficient to determine the role of this variant in disease. Therefore, it has been classified as a Variant of Uncertain Significance.

NM_006269.2(RP1):c.6428del (p.Asn2143fs)

Gene: RP1 (RP1 axonemal microtubule associated; plus strand). Cytogenetic location: 8q12.1.
Variant type: Deletion.
Coding change: c.6428del on transcript NM_006269.2 (MANE Select); coding-DNA position 6428, one base deleted (A; older notation c.6428delA).
Protein change: p.Asn2143fs; shifts the reading frame from asparagine 2143.
Molecular consequence: frameshift variant. On other transcripts: intron variant (1).
Genome position (GRCh38, 1-based): chr8:54,630,310, A deleted; the last of 3 consecutive A bases (chr8:54,630,308-54,630,310); deleting any one gives the same sequence. VCF-style (leftmost placement, unchanged base first): chr8-54630307-TA-T. GRCh37 (hg19) VCF-style: chr8-55542867-TA-T.
Other names: c.787+8022del (NM_001375654.1); short protein forms N2143fs.
Identifiers: ClinVar variation 2014148 (VCV002014148.4), dbSNP rs1335501800, ClinGen allele CA582185452.
Genomic context (GRCh38, chr8:54,630,307, plus strand): 5'-TTTTAGAACTTTGTATGTTTGAGGGTGAAAATCTTTTCATTTGGGAAGAGGAAGACATAT[TA>T]AATTTAACTGATCTTGAAAGCAGTAGAGAACAAGAAGATTTATAATTTCAATATCAGCAC-3'